The following is an entry in ClinVar:

ClinVar aggregate classification (germline): Benign/Likely benign. Review status: criteria provided, multiple submitters, no conflicts (2 of 4 stars). 6 submissions from 6 submitters: Benign (1); Likely benign (5). Last evaluated 2026-09-24.

Conditions:
KIT-related disorder. Also called: KIT-related condition.
Hereditary cancer-predisposing syndrome. Also called: Neoplastic Syndromes, Hereditary; Tumor predisposition; Hereditary neoplastic syndrome; Hereditary Cancer Syndrome. Identifiers: Orphanet 140162, MedGen C0027672, MeSH D009386, MONDO:0015356.
Gastrointestinal stromal tumor. Also called: Gastrointestinal stromal tumor, somatic; Gastrointestinal stroma tumor. Identifiers: Orphanet 44890, MedGen C0238198, MeSH D046152, MONDO:0011719, OMIM 606764, HP:0100723.

Allele frequency attached by ClinVar (database versions not stated): ExAC 0.00001; gnomAD 0.00001; gnomAD exomes 0.00001; TOPMed 0.00003.
gnomAD v4.1: 13 of 1,614,090 alleles (0.00081%); highest among the groups gnomAD compares: East Asian, 0.0089%; no homozygotes.

Submissions (6):

PreventionGenetics, part of Exact Sciences
Classification: Likely benign for KIT-related condition. Last evaluated: 2026-09-24. Review status: criteria provided, single submitter. Criteria: ACMG Guidelines, 2015. Collection method: clinical testing. Allele origin: germline.
Comment: This variant is classified as likely benign based on ACMG/AMP sequence variant interpretation guidelines (Richards et al. 2015 PMID: 25741868, with internal and published modifications).

Myriad Genetics, Inc.
Classification: Benign for Gastrointestinal stromal tumor. Last evaluated: 2026-06-03. Review status: criteria provided, single submitter. Criteria: Myriad Autosomal Dominant, Autosomal Recessive and X-Linked Classification Criteria (2023). Collection method: clinical testing. Allele origin: unknown.
Comment: This variant is considered benign. This variant is a silent/synonymous amino acid change and it is not expected to impact splicing.

Labcorp Genetics (formerly Invitae), Labcorp
Classification: Likely benign for Gastrointestinal stromal tumor. Last evaluated: 2026-01-31. Review status: criteria provided, single submitter. Criteria: Invitae Variant Classification Sherloc (09022015). Collection method: clinical testing. Allele origin: germline.

CeGaT Center for Human Genetics Tuebingen
Classification: Likely benign. Last evaluated: 2025-09-01. Review status: criteria provided, single submitter. Criteria: CeGaT Center For Human Genetics Tuebingen Variant Classification Criteria Version 2. Collection method: clinical testing. Allele origin: germline. Affected: yes. Observed: 1 variant allele.
Comment: KIT: BP4, BP7

Ambry Genetics
Classification: Likely benign for Hereditary cancer-predisposing syndrome. Last evaluated: 2022-04-12. Review status: criteria provided, single submitter. Criteria: Ambry Variant Classification Scheme 2023. Collection method: clinical testing. Allele origin: germline.

Blueprint Genetics
Classification: Likely benign. Last evaluated: 2019-06-24. Review status: criteria provided, single submitter. Criteria: ACMG Guidelines, 2015. Collection method: clinical testing. Allele origin: germline.

NM_000222.3(KIT):c.1363C>T (p.Leu455=)

Gene: KIT (KIT proto-oncogene, receptor tyrosine kinase; plus strand). Cytogenetic location: 4q12.
Variant type: single nucleotide variant.
Coding change: c.1363C>T on transcript NM_000222.3 (MANE Select); coding-DNA position 1363, C replaced by T.
Protein change: p.Leu455=; no amino-acid change (leucine 455 retained).
Molecular consequence: synonymous variant.
Genome position (GRCh38, 1-based): chr4:54,725,873, C>T. VCF-style: chr4-54725873-C-T. GRCh37 (hg19) VCF-style: chr4-55592039-C-T.
Other names: c.1366C>T, p.Leu456= (NM_001385292.1, NM_001385284.1, NM_001385288.1 and 1 more transcripts); c.1363C>T, p.Leu455= (NM_001093772.2, NM_001385285.1, NM_001385286.1).
Identifiers: ClinVar variation 1105663 (VCV001105663.20), dbSNP rs775239202, ClinGen allele CA2923478.